The following is an entry in ClinVar:

ClinVar aggregate classification (germline): Uncertain significance (1 of 4 stars; one submission).

Submission:

GeneDx
Classification: Uncertain significance. Last evaluated: 2024-11-06. Review status: criteria provided, single submitter. Criteria: GeneDx Variant Classification Process June 2021. Collection method: clinical testing. Allele origin: germline. Affected: yes.
Comment: Not observed at significant frequency in large population cohorts (gnomAD); In silico analysis indicates that this missense variant does not alter protein structure/function; Has not been previously published as pathogenic or benign to our knowledge

NM_004187.5(KDM5C):c.382A>G (p.Ile128Val)

Gene: KDM5C (lysine demethylase 5C; minus strand). Cytogenetic location: Xp11.22.
Variant type: single nucleotide variant.
Coding change: c.382A>G on transcript NM_004187.5 (MANE Select); coding-DNA position 382, A replaced by G.
Protein change: p.Ile128Val; replaces isoleucine 128 with valine.
Molecular consequence: missense variant. On other transcripts: non-coding transcript variant (3).
Genome position (GRCh38, 1-based): chrX:53,217,936, T>C on the plus strand (A>G on the coding strand, the complement: KDM5C is on the minus strand). VCF-style: chrX-53217936-T-C. GRCh37 (hg19) VCF-style: chrX-53247118-T-C.
Other names: c.181A>G, p.Ile61Val (NM_001146702.2); c.382A>G, p.Ile128Val (NM_001282622.3, NM_001353978.3, NM_001353979.2 and 3 more transcripts); short protein forms I128V, I61V.
Identifiers: ClinVar variation 3898996 (VCV003898996.1).